The following is an entry in ClinVar:

ClinVar aggregate classification (germline): Uncertain significance. Review status: criteria provided, multiple submitters, no conflicts (2 of 4 stars). 2 submissions from 2 submitters: Uncertain significance (2). Last evaluated 2025-05-05.

Conditions:
Hereditary cancer-predisposing syndrome. Also called: Hereditary neoplastic syndrome; Tumor predisposition; Neoplastic Syndromes, Hereditary; Hereditary Cancer Syndrome. Identifiers: Orphanet 140162, MedGen C0027672, MeSH D009386, MONDO:0015356.

Submissions (2):

Ambry Genetics
Classification: Uncertain significance for Hereditary cancer-predisposing syndrome. Last evaluated: 2025-05-05. Review status: criteria provided, single submitter. Criteria: Ambry Variant Classification Scheme 2023. Collection method: clinical testing. Allele origin: germline.
Comment: The p.V306I variant (also known as c.916G>A), located in coding exon 7 of the FH gene, results from a G to A substitution at nucleotide position 916. The valine at codon 306 is replaced by isoleucine, an amino acid with highly similar properties. This amino acid position is conserved. In addition, the in silico prediction for this alteration is inconclusive. Based on the available evidence, the clinical significance of this variant remains unclear.

Labcorp Genetics (formerly Invitae), Labcorp
Classification: Uncertain significance. Last evaluated: 2019-09-09. Review status: criteria provided, single submitter. Criteria: Invitae Variant Classification Sherloc (09022015). Collection method: clinical testing. Allele origin: germline.
Comment: In summary, the available evidence is currently insufficient to determine the role of this variant in disease. Therefore, it has been classified as a Variant of Uncertain Significance. Algorithms developed to predict the effect of missense changes on protein structure and function (SIFT, PolyPhen-2, Align-GVGD) all suggest that this variant is likely to be tolerated, but these predictions have not been confirmed by published functional studies and their clinical significance is uncertain. This variant has not been reported in the literature in individuals with FH-related conditions. This variant is not present in population databases (ExAC no frequency). This sequence change replaces valine with isoleucine at codon 306 of the FH protein (p.Val306Ile). The valine residue is highly conserved and there is a small physicochemical difference between valine and isoleucine.

NM_000143.4(FH):c.916G>A (p.Val306Ile)

Gene: FH (fumarate hydratase; minus strand). Cytogenetic location: 1q43.
Variant type: single nucleotide variant.
Coding change: c.916G>A on transcript NM_000143.4 (MANE Select); coding-DNA position 916, G replaced by A.
Protein change: p.Val306Ile; replaces valine 306 with isoleucine.
Molecular consequence: missense variant.
Genome position (GRCh38, 1-based): chr1:241,504,234, C>T on the plus strand (G>A on the coding strand, the complement: FH is on the minus strand). VCF-style: chr1-241504234-C-T. GRCh37 (hg19) VCF-style: chr1-241667534-C-T.
Other names: short protein forms V306I.
Identifiers: ClinVar variation 954633 (VCV000954633.11), dbSNP rs1659857390, ClinGen allele CA345438415.